The following is an entry in ClinVar:

ClinVar aggregate classification (germline): Uncertain significance (1 of 4 stars; one submission).

Conditions:
Spastic paraplegia. Identifiers: MedGen C0037772, HP:0001258.

Allele frequency attached by ClinVar (database versions not stated): ExAC 0.00001.
gnomAD v4.1: 12 of 1,613,372 alleles (0.00074%); highest among the groups gnomAD compares: South Asian, 0.0066%; no homozygotes.

Submission:

Labcorp Genetics (formerly Invitae), Labcorp
Classification: Uncertain significance for Spastic paraplegia. Last evaluated: 2023-03-30. Review status: criteria provided, single submitter. Criteria: Invitae Variant Classification Sherloc (09022015). Collection method: clinical testing. Allele origin: germline.
Comment: In summary, the available evidence is currently insufficient to determine the role of this variant in disease. Therefore, it has been classified as a Variant of Uncertain Significance. This sequence change replaces leucine, which is neutral and non-polar, with phenylalanine, which is neutral and non-polar, at codon 194 of the RTN2 protein (p.Leu194Phe). This variant is present in population databases (rs755453939, gnomAD 0.003%). This variant has not been reported in the literature in individuals affected with RTN2-related conditions. Algorithms developed to predict the effect of missense changes on protein structure and function output the following: SIFT: "Not Available"; PolyPhen-2: "Benign"; Align-GVGD: "Not Available". The phenylalanine amino acid residue is found in multiple mammalian species, which suggests that this missense change does not adversely affect protein function.

NM_005619.5(RTN2):c.580C>T (p.Leu194Phe)

Genes: OPA3-RTN2 (OPA3-RTN2 readthrough; minus strand), RTN2 (reticulon 2; minus strand). Cytogenetic location: 19q13.32.
Variant type: single nucleotide variant.
Coding change: c.580C>T on transcript NM_005619.5 (MANE Select); coding-DNA position 580, C replaced by T.
Protein change: p.Leu194Phe; replaces leucine 194 with phenylalanine.
Molecular consequence: missense variant.
Genome position (GRCh38, 1-based): chr19:45,494,400, G>A on the plus strand (C>T on the coding strand, the complement: RTN2 is on the minus strand). VCF-style: chr19-45494400-G-A. GRCh37 (hg19) VCF-style: chr19-45997658-G-A.
Other names: c.580C>T, p.Leu194Phe (NM_206900.3); short protein forms L194F.
Identifiers: ClinVar variation 2954579 (VCV002954579.3), dbSNP rs755453939, ClinGen allele CA9516214.
Genomic context (GRCh38, chr19:45,494,400, plus strand): 5'-GTGTCCCAGAGCCCGGACTGAGCTGGGGAGTCAAGACCTCGGGCGATGAGGGCTGAGCAA[G>A]TCGGAGTCGTAGGTCCAGTTCTGATACGGTAGAGAGAGGAGGCCGTGAGCTTTCTTCTTG-3'
Protein context (NP_005610.1, residues 184-204): AGEELDLRLR[Leu194Phe]AQPSSPEVLT